The following is an entry in ClinVar:

NM_001164508.2(NEB):c.5075G>T (p.Gly1692Val)

Gene: NEB (nebulin; minus strand). Cytogenetic location: 2q23.3.
Variant type: single nucleotide variant.
Coding change: c.5075G>T on transcript NM_001164508.2 (MANE Select); coding-DNA position 5075, G replaced by T.
Protein change: p.Gly1692Val; replaces glycine 1692 with valine.
Molecular consequence: missense variant.
Genome position (GRCh38, 1-based): chr2:151,665,496, C>A on the plus strand (G>T on the coding strand, the complement: NEB is on the minus strand). VCF-style: chr2-151665496-C-A. GRCh37 (hg19) VCF-style: chr2-152522010-C-A.
Other names: c.5075G>T, p.Gly1692Val (NM_001164507.2, NM_001271208.2, NM_004543.5); short protein forms G1692V.
Identifiers: ClinVar variation 2218971 (VCV002218971.4), dbSNP rs371822291, ClinGen allele CA1910451.

ClinVar aggregate classification (germline): Uncertain significance. Review status: criteria provided, multiple submitters, no conflicts (2 of 4 stars). 2 submissions from 2 submitters: Uncertain significance (2). Last evaluated 2024-09-22.

Conditions:
Inborn genetic diseases. Identifiers: MedGen C0950123, MeSH D030342.
Nemaline myopathy 2 (NEM2). Also called: Nemaline myopathy 2, autosomal recessive. Identifiers: MedGen C1850569, MONDO:0009725, OMIM 256030.

Allele frequency attached by ClinVar (database versions not stated): ExAC 0.00001; gnomAD 0.00001; gnomAD exomes 0.00001; TOPMed 0.00001; ESP Exome Variant Server 0.00008.
gnomAD v4.1: 19 of 1,611,536 alleles (0.0012%); highest among the groups gnomAD compares: Non-Finnish European, 0.0015%; no homozygotes.

Submissions (2):

Labcorp Genetics (formerly Invitae), Labcorp
Classification: Uncertain significance for Nemaline myopathy 2. Last evaluated: 2024-09-22. Review status: criteria provided, single submitter. Criteria: Invitae Variant Classification Sherloc (09022015). Collection method: clinical testing. Allele origin: germline.
Comment: This sequence change replaces glycine, which is neutral and non-polar, with valine, which is neutral and non-polar, at codon 1692 of the NEB protein (p.Gly1692Val). The frequency data for this variant in the population databases is considered unreliable, as metrics indicate poor data quality at this position in the gnomAD database. This variant has not been reported in the literature in individuals affected with NEB-related conditions. ClinVar contains an entry for this variant (Variation ID: 2218971). Experimental studies and prediction algorithms are not available or were not evaluated, and the functional significance of this variant is currently unknown. In summary, the available evidence is currently insufficient to determine the role of this variant in disease. Therefore, it has been classified as a Variant of Uncertain Significance.

Ambry Genetics
Classification: Uncertain significance for Inborn genetic diseases. Last evaluated: 2022-03-25. Review status: criteria provided, single submitter. Criteria: Ambry Variant Classification Scheme 2023. Collection method: clinical testing. Allele origin: germline.